The following is an entry in ClinVar:

ClinVar aggregate classification (germline): Benign/Likely benign. Review status: criteria provided, multiple submitters, no conflicts (2 of 4 stars). 2 submissions from 2 submitters: Benign (1); Likely benign (1). Last evaluated 2024-09-06.

Allele frequency attached by ClinVar (database versions not stated): gnomAD 0.00001; gnomAD exomes 0.00001; TOPMed 0.00001; ExAC 0.00003.
gnomAD v4.1: 17 of 1,209,704 alleles (0.0014%); highest among the groups gnomAD compares: South Asian, 0.028%; no homozygotes.

Submissions (2):

Labcorp Genetics (formerly Invitae), Labcorp
Classification: Benign. Last evaluated: 2024-09-06. Review status: criteria provided, single submitter. Criteria: Invitae Variant Classification Sherloc (09022015). Collection method: clinical testing. Allele origin: germline.

CeGaT Center for Human Genetics Tuebingen
Classification: Likely benign. Last evaluated: 2023-02-01. Review status: criteria provided, single submitter. Criteria: CeGaT Center For Human Genetics Tuebingen Variant Classification Criteria Version 2. Collection method: clinical testing. Allele origin: germline. Affected: yes. Observed: 1 variant allele.
Comment: HUWE1: BP4, BP7, BS2

NM_031407.7(HUWE1):c.2677C>T (p.Leu893=)

Gene: HUWE1 (HECT, UBA and WWE domain containing E3 ubiquitin protein ligase 1; minus strand). Cytogenetic location: Xp11.22.
Variant type: single nucleotide variant.
Coding change: c.2677C>T on transcript NM_031407.7 (MANE Select); coding-DNA position 2677, C replaced by T.
Protein change: p.Leu893=; no amino-acid change (leucine 893 retained).
Molecular consequence: synonymous variant.
Genome position (GRCh38, 1-based): chrX:53,604,654, G>A on the plus strand (C>T on the coding strand, the complement: HUWE1 is on the minus strand). VCF-style: chrX-53604654-G-A. GRCh37 (hg19) VCF-style: chrX-53631615-G-A.
Identifiers: ClinVar variation 2660628 (VCV002660628.26), dbSNP rs782037106, ClinGen allele CA10422694.
Genomic context (GRCh38, chrX:53,604,654, plus strand): 5'-CAACTCTGCAAGTATGAACAAACATCATGATGTAGGCATGGGCAGCAGTGAGTGCATGCA[G>A]CAGAGGTGTGGCCTGGGCTGAGAGGGTAGCATCAGCAACATTGCCTGCGCAAGCCAGTTC-3'
Protein context (NP_113584.3, residues 883-903): ATLSAQATPL[Leu893=]HALTAAHAYI